The following is an entry in ClinVar:

NM_005228.5(EGFR):c.2222C>T (p.Pro741Leu)

Gene: EGFR (epidermal growth factor receptor; plus strand). Cytogenetic location: 7p11.2.
Variant type: single nucleotide variant.
Coding change: c.2222C>T on transcript NM_005228.5 (MANE Select); coding-DNA position 2222, C replaced by T.
Protein change: p.Pro741Leu; replaces proline 741 with leucine.
Molecular consequence: missense variant.
Genome position (GRCh38, 1-based): chr7:55,174,759, C>T. VCF-style: chr7-55174759-C-T. GRCh37 (hg19) VCF-style: chr7-55242452-C-T.
Other names: c.2087C>T, p.Pro696Leu (NM_001346897.2, NM_001346899.2); c.2222C>T, p.Pro741Leu (NM_001346898.2); c.2063C>T, p.Pro688Leu (NM_001346900.2); c.1421C>T, p.Pro474Leu (NM_001346941.2); c.2222C>T (NM_005228.3); short protein forms P688L, P696L, P474L, P741L.
Identifiers: ClinVar variation 1361667 (VCV001361667.9), dbSNP rs2128954665, ClinGen allele CA367584097.
Genomic context (GRCh38, chr7:55,174,759, plus strand): 5'-TCTTCCTTCTCTCTCTGTCATAGGGACTCTGGATCCCAGAAGGTGAGAAAGTTAAAATTC[C>T]CGTCGCTATCAAGGAATTAAGAGAAGCAACATCTCCGAAAGCCAACAAGGAAATCCTCGA-3'
Protein context (NP_005219.2, residues 731-751): WIPEGEKVKI[Pro741Leu]VAIKELREAT

ClinVar aggregate classification (germline): Uncertain significance. Review status: criteria provided, multiple submitters, no conflicts (2 of 4 stars). 2 submissions from 2 submitters: Uncertain significance (2). Last evaluated 2026-09-04.

Conditions:
Hereditary cancer-predisposing syndrome. Also called: Hereditary Cancer Syndrome; Neoplastic Syndromes, Hereditary; Hereditary neoplastic syndrome; Tumor predisposition. Identifiers: Orphanet 140162, MedGen C0027672, MeSH D009386, MONDO:0015356.
EGFR-related lung cancer (EGFR). Identifiers: MedGen CN130014.

Submissions (2):

Ambry Genetics
Classification: Uncertain significance for Hereditary cancer-predisposing syndrome. Last evaluated: 2026-09-04. Review status: criteria provided, single submitter. Criteria: Ambry Variant Classification Scheme 2023. Collection method: clinical testing. Allele origin: germline.
Comment: The p.P741L variant (also known as c.2222C>T), located in coding exon 19 of the EGFR gene, results from a C to T substitution at nucleotide position 2222. The proline at codon 741 is replaced by leucine, an amino acid with similar properties. This amino acid position is highly conserved in available vertebrate species. In addition, this alteration is predicted to be deleterious by in silico analysis. Based on the available evidence, the clinical significance of this variant remains unclear.

Labcorp Genetics (formerly Invitae), Labcorp
Classification: Uncertain significance for EGFR-related lung cancer. Last evaluated: 2021-07-02. Review status: criteria provided, single submitter. Criteria: Invitae Variant Classification Sherloc (09022015). Collection method: clinical testing. Allele origin: germline.
Comment: This variant is not present in population databases (ExAC no frequency). This sequence change replaces proline with leucine at codon 741 of the EGFR protein (p.Pro741Leu). The proline residue is highly conserved and there is a moderate physicochemical difference between proline and leucine. This variant has not been reported in the literature in individuals affected with EGFR-related conditions. In summary, the available evidence is currently insufficient to determine the role of this variant in disease. Therefore, it has been classified as a Variant of Uncertain Significance. Algorithms developed to predict the effect of missense changes on protein structure and function are either unavailable or do not agree on the potential impact of this missense change (SIFT: "Deleterious"; PolyPhen-2: "Probably Damaging"; Align-GVGD: "Class C0").